The following is an entry in ClinVar:

NM_000038.6(APC):c.4669A>T (p.Ile1557Phe)

Gene: APC (APC regulator of Wnt signaling pathway; plus strand). Cytogenetic location: 5q22.2.
Variant type: single nucleotide variant.
Coding change: c.4669A>T on transcript NM_000038.6 (MANE Select); coding-DNA position 4669, A replaced by T.
Protein change: p.Ile1557Phe; replaces isoleucine 1557 with phenylalanine.
Molecular consequence: missense variant.
Genome position (GRCh38, 1-based): chr5:112,840,263, A>T. VCF-style: chr5-112840263-A-T. GRCh37 (hg19) VCF-style: chr5-112175960-A-T.
Other names: c.4669A>T, p.Ile1557Phe (NM_001127510.3, NM_001354895.2); c.4615A>T, p.Ile1539Phe (NM_001127511.3); c.4723A>T, p.Ile1575Phe (NM_001354896.2); c.4699A>T, p.Ile1567Phe (NM_001354897.2); c.4594A>T, p.Ile1532Phe (NM_001354898.2); c.4585A>T, p.Ile1529Phe (NM_001354899.2); c.4546A>T, p.Ile1516Phe (NM_001354900.2); c.4492A>T, p.Ile1498Phe (NM_001354901.2); and 5 more; short protein forms I1557F, I1539F, I1397F, I1516F, I1567F, I1575F, I1456F, I1498F.
Identifiers: ClinVar variation 486747 (VCV000486747.6), dbSNP rs763578917, ClinGen allele CA16031567.

ClinVar aggregate classification (germline): Uncertain significance (1 of 4 stars; one submission).

Conditions:
Hereditary cancer-predisposing syndrome. Also called: Tumor predisposition; Hereditary Cancer Syndrome; Hereditary neoplastic syndrome; Neoplastic Syndromes, Hereditary. Identifiers: Orphanet 140162, MedGen C0027672, MeSH D009386, MONDO:0015356.

Submission:

Ambry Genetics
Classification: Uncertain significance for Hereditary cancer-predisposing syndrome. Last evaluated: 2025-08-26. Review status: criteria provided, single submitter. Criteria: Ambry Variant Classification Scheme 2023. Collection method: clinical testing. Allele origin: germline.
Comment: The p.I1557F variant (also known as c.4669A>T), located in coding exon 15 of the APC gene, results from an A to T substitution at nucleotide position 4669. The isoleucine at codon 1557 is replaced by phenylalanine, an amino acid with highly similar properties. This amino acid position is poorly conserved in available vertebrate species. In addition, in silico predictors for this gene do not accurately predict pathogenicity. Missense alterations in APC are not a common cause of disease (Spier I et al. Genet Med. 2024 Feb;26(2):100992). Based on the available evidence, the clinical significance of this variant remains unclear.